The following is an entry in ClinVar:

ClinVar aggregate classification (germline): Uncertain significance (1 of 4 stars; one submission).

Conditions:
Lethal congenital glycogen storage disease of heart. Also called: GLYCOGEN STORAGE DISEASE OF HEART; PHOSPHORYLASE KINASE DEFICIENCY OF HEART. Identifiers: Orphanet 439854, MedGen C1849813, MONDO:0009867, OMIM 261740.

Allele frequency attached by ClinVar (database versions not stated): gnomAD exomes below 0.00001.
gnomAD v4.1: 2 of 1,407,350 alleles (0.00014%); highest among the groups gnomAD compares: East Asian, 0.0032%; no homozygotes.

Submission:

Labcorp Genetics (formerly Invitae), Labcorp
Classification: Uncertain significance for Lethal congenital glycogen storage disease of heart. Last evaluated: 2023-10-16. Review status: criteria provided, single submitter. Criteria: Invitae Variant Classification Sherloc (09022015). Collection method: clinical testing. Allele origin: germline.
Comment: This sequence change replaces aspartic acid, which is acidic and polar, with asparagine, which is neutral and polar, at codon 250 of the PRKAG2 protein (p.Asp250Asn). This variant is not present in population databases (gnomAD no frequency). This variant has not been reported in the literature in individuals affected with PRKAG2-related conditions. Advanced modeling of protein sequence and biophysical properties (such as structural, functional, and spatial information, amino acid conservation, physicochemical variation, residue mobility, and thermodynamic stability) has been performed at Invitae for this missense variant, however the output from this modeling did not meet the statistical confidence thresholds required to predict the impact of this variant on PRKAG2 protein function. In summary, the available evidence is currently insufficient to determine the role of this variant in disease. Therefore, it has been classified as a Variant of Uncertain Significance.

NM_016203.4(PRKAG2):c.748G>A (p.Asp250Asn)

Genes: PRKAG2 (protein kinase AMP-activated non-catalytic subunit gamma 2; minus strand), LOC129999660 (ATAC-STARR-seq lymphoblastoid silent region 18823; plus strand). Cytogenetic location: 7q36.1.
Variant type: single nucleotide variant.
Coding change: c.748G>A on transcript NM_016203.4 (MANE Select); coding-DNA position 748, G replaced by A.
Protein change: p.Asp250Asn; replaces aspartic acid 250 with asparagine.
Molecular consequence: missense variant. On other transcripts: intron variant (3).
Genome position (GRCh38, 1-based): chr7:151,632,075, C>T on the plus strand (G>A on the coding strand, the complement: PRKAG2 is on the minus strand). VCF-style: chr7-151632075-C-T. GRCh37 (hg19) VCF-style: chr7-151329161-C-T.
Other names: c.616G>A, p.Asp206Asn (NM_001040633.2, NM_001407024.1, NM_001407026.1 and 1 more transcripts); c.376G>A, p.Asp126Asn (NM_001304527.2, NM_001363698.2, NM_001407028.1 and 1 more transcripts); c.25G>A, p.Asp9Asn (NM_001304531.2, NM_001407034.1, NM_001407035.1 and 4 more transcripts); c.748G>A, p.Asp250Asn (NM_001407021.1, NM_001407022.1, NM_001407023.1); c.430G>A, p.Asp144Asn (NM_001407032.1); c.424G>A, p.Asp142Asn (NM_001407033.1); c.76G>A, p.Asp26Asn (NM_001407038.1); c.467-36624G>A (NM_001407031.1); and 2 more; short protein forms D250N, D26N, D9N, D144N, D206N, D126N, D142N.
Identifiers: ClinVar variation 2891027 (VCV002891027.3), dbSNP rs1824640507, ClinGen allele CA370071144.